The following is an entry in ClinVar:

NM_001370259.2(MEN1):c.308T>G (p.Leu103Arg)

Gene: MEN1 (menin 1; minus strand). Cytogenetic location: 11q13.1.
Variant type: single nucleotide variant.
Coding change: c.308T>G on transcript NM_001370259.2 (MANE Select); coding-DNA position 308, T replaced by G.
Protein change: p.Leu103Arg; replaces leucine 103 with arginine.
Molecular consequence: missense variant.
Genome position (GRCh38, 1-based): chr11:64,809,802, A>C on the plus strand (T>G on the coding strand, the complement: MEN1 is on the minus strand). VCF-style: chr11-64809802-A-C. GRCh37 (hg19) VCF-style: chr11-64577274-A-C.
Other names: c.308T>G, p.Leu103Arg (NM_000244.4, NM_001370251.2, NM_001370260.2 and 9 more transcripts); short protein forms L103R.
Identifiers: ClinVar variation 1393508 (VCV001393508.6), dbSNP rs2136184835, ClinGen allele CA381187437.

ClinVar aggregate classification (germline): Uncertain significance (1 of 4 stars; one submission).

Conditions:
Multiple endocrine neoplasia, type 1 (MEN1). Also called: MEN I; WERMER SYNDROME; Endocrine adenomatosis multiple; MEN 1; MEA I. Identifiers: Orphanet 652, MedGen C0025267, MeSH D018761, MONDO:0007540, OMIM 131100.

Submission:

Labcorp Genetics (formerly Invitae), Labcorp
Classification: Uncertain significance for Multiple endocrine neoplasia, type 1. Last evaluated: 2021-11-15. Review status: criteria provided, single submitter. Criteria: Invitae Variant Classification Sherloc (09022015). Collection method: clinical testing. Allele origin: germline.
Comment: This sequence change replaces leucine, which is neutral and non-polar, with arginine, which is basic and polar, at codon 103 of the MEN1 protein (p.Leu103Arg). This variant is not present in population databases (gnomAD no frequency). This variant has not been reported in the literature in individuals affected with MEN1-related conditions. Advanced modeling of protein sequence and biophysical properties (such as structural, functional, and spatial information, amino acid conservation, physicochemical variation, residue mobility, and thermodynamic stability) performed at Invitae indicates that this missense variant is expected to disrupt MEN1 protein function. In summary, the available evidence is currently insufficient to determine the role of this variant in disease. Therefore, it has been classified as a Variant of Uncertain Significance.